The following is an entry in ClinVar:

NM_017739.4(POMGNT1):c.256G>C (p.Glu86Gln)

Gene: POMGNT1 (protein O-linked mannose N-acetylglucosaminyltransferase 1 (beta 1,2-); minus strand). Cytogenetic location: 1p34.1.
Variant type: single nucleotide variant.
Coding change: c.256G>C on transcript NM_017739.4 (MANE Select); coding-DNA position 256, G replaced by C.
Protein change: p.Glu86Gln; replaces glutamic acid 86 with glutamine.
Molecular consequence: missense variant. On other transcripts: 5 prime UTR variant (1).
Genome position (GRCh38, 1-based): chr1:46,196,829, C>G on the plus strand (G>C on the coding strand, the complement: POMGNT1 is on the minus strand). VCF-style: chr1-46196829-C-G. GRCh37 (hg19) VCF-style: chr1-46662501-C-G.
Other names: c.256G>C, p.Glu86Gln (NM_001243766.2, NM_001410783.1); c.190G>C, p.Glu64Gln (NM_001290129.3); c.-174G>C (NM_001290130.2); short protein forms E64Q, E86Q.
Identifiers: ClinVar variation 944897 (VCV000944897.10), dbSNP rs1658280808, ClinGen allele CA340191714.

ClinVar aggregate classification (germline): Uncertain significance (1 of 4 stars; one submission).

Conditions:
Autosomal recessive limb-girdle muscular dystrophy type 2O. Also called: MUSCULAR DYSTROPHY-DYSTROGLYCANOPATHY (LIMB-GIRDLE), TYPE C, 3; MUSCULAR DYSTROPHY-DYSTROGLYCANOPATHY, LIMB-GIRDLE, POMGNT1-RELATED; Limb-Girdle Muscular Dystrophy Type 3C. Identifiers: Orphanet 206564, MedGen C3150417, MONDO:0013161, OMIM 613157.
Muscular dystrophy-dystroglycanopathy (congenital with impaired intellectual development), type B, 3. Also called: Muscular dystrophy-dystroglycanopathy (congenital with intellectual disability), type B3; MUSCULAR DYSTROPHY, CONGENITAL, POMGNT1-RELATED. Identifiers: MedGen C3150412, MONDO:0013155, OMIM 613151.

Submission:

Labcorp Genetics (formerly Invitae), Labcorp
Classification: Uncertain significance for Autosomal recessive limb-girdle muscular dystrophy type 2O; Muscular dystrophy-dystroglycanopathy (congenital with impaired intellectual development), type B, 3. Last evaluated: 2022-02-03. Review status: criteria provided, single submitter. Criteria: Invitae Variant Classification Sherloc (09022015). Collection method: clinical testing. Allele origin: germline.
Comment: This sequence change replaces glutamic acid, which is acidic and polar, with glutamine, which is neutral and polar, at codon 86 of the POMGNT1 protein (p.Glu86Gln). This variant is not present in population databases (gnomAD no frequency). This variant has not been reported in the literature in individuals affected with POMGNT1-related conditions. ClinVar contains an entry for this variant (Variation ID: 944897). Advanced modeling of protein sequence and biophysical properties (such as structural, functional, and spatial information, amino acid conservation, physicochemical variation, residue mobility, and thermodynamic stability) performed at Invitae indicates that this missense variant is not expected to disrupt POMGNT1 protein function. In summary, the available evidence is currently insufficient to determine the role of this variant in disease. Therefore, it has been classified as a Variant of Uncertain Significance.